The following is an entry in ClinVar:

ClinVar aggregate classification (germline): Uncertain significance. Review status: criteria provided, multiple submitters, no conflicts (2 of 4 stars). 2 submissions from 2 submitters: Uncertain significance (2). Last evaluated 2025-11-05.

gnomAD v4.1: 11 of 1,549,258 alleles (0.00071%); highest among the groups gnomAD compares: Non-Finnish European, 0.00017%; no homozygotes.

Submissions (2):

Labcorp Genetics (formerly Invitae), Labcorp
Classification: Uncertain significance. Last evaluated: 2025-11-05. Review status: criteria provided, single submitter. Criteria: Invitae Variant Classification Sherloc (09022015). Collection method: clinical testing. Allele origin: germline.
Comment: This sequence change replaces serine, which is neutral and polar, with threonine, which is neutral and polar, at codon 105 of the TERF2IP protein (p.Ser105Thr). This variant is present in population databases (rs766087568, gnomAD 0.02%). This variant has not been reported in the literature in individuals affected with TERF2IP-related conditions. ClinVar contains an entry for this variant (Variation ID: 3325434). An algorithm developed to predict the effect of missense changes on protein structure and function (PolyPhen-2) suggests that this variant is likely to be tolerated. In summary, the available evidence is currently insufficient to determine the role of this variant in disease. Therefore, it has been classified as a Variant of Uncertain Significance.

Ambry Genetics
Classification: Uncertain significance. Last evaluated: 2024-03-20. Review status: criteria provided, single submitter. Criteria: Ambry Variant Classification Scheme 2023. Collection method: clinical testing. Allele origin: germline.
Comment: The p.S105T variant (also known as c.313T>A), located in coding exon 1 of the TERF2IP gene, results from a T to A substitution at nucleotide position 313. The serine at codon 105 is replaced by threonine, an amino acid with similar properties. This amino acid position is conserved. In addition, this alteration is predicted to be tolerated by in silico analysis. Based on the available evidence, the clinical significance of this alteration remains unclear.

NM_018975.4(TERF2IP):c.313T>A (p.Ser105Thr)

Gene: TERF2IP (TERF2 interacting protein; plus strand). Cytogenetic location: 16q23.1.
Variant type: single nucleotide variant.
Coding change: c.313T>A on transcript NM_018975.4 (MANE Select); coding-DNA position 313, T replaced by A.
Protein change: p.Ser105Thr; replaces serine 105 with threonine.
Molecular consequence: missense variant. On other transcripts: non-coding transcript variant (1).
Genome position (GRCh38, 1-based): chr16:75,648,195, T>A. VCF-style: chr16-75648195-T-A. GRCh37 (hg19) VCF-style: chr16-75682093-T-A.
Other names: short protein forms S105T.
Identifiers: ClinVar variation 3325434 (VCV003325434.2).